The following is an entry in ClinVar:

NM_018344.6(SLC29A3):c.1369G>A (p.Val457Met)

Gene: SLC29A3 (solute carrier family 29 member 3; plus strand). Cytogenetic location: 10q22.1.
Variant type: single nucleotide variant.
Coding change: c.1369G>A on transcript NM_018344.6 (MANE Select); coding-DNA position 1369, G replaced by A.
Protein change: p.Val457Met; replaces valine 457 with methionine.
Molecular consequence: missense variant. On other transcripts: 3 prime UTR variant (1), non-coding transcript variant (2).
Genome position (GRCh38, 1-based): chr10:71,362,549, G>A. VCF-style: chr10-71362549-G-A. GRCh37 (hg19) VCF-style: chr10-73122306-G-A.
Other names: c.*598G>A (NM_001174098.2); c.1135G>A, p.Val379Met (NM_001363518.2); short protein forms V379M, V457M.
Identifiers: ClinVar variation 2692984 (VCV002692984.3), dbSNP rs1228853615, ClinGen allele CA377117630.
Genomic context (GRCh38, chr10:71,362,549, plus strand): 5'-GGGCCTAAGATTGTGCCCAGGGAGCTGGCTGAGGCCACGGGAGTGGTGATGTCCTTTTAT[G>A]TGTGCTTGGGCTTAACACTGGGCTCAGCCTGCTCTACCCTCCTGGTGCACCTCATCTAGA-3'
Protein context (NP_060814.4, residues 447-467): EATGVVMSFY[Val457Met]CLGLTLGSAC

ClinVar aggregate classification (germline): Uncertain significance (1 of 4 stars; one submission).

Conditions:
H syndrome. Also called: FAISALABAD HISTIOCYTOSIS; Pigmented hypertrichosis and insulin-dependent diabetes mellitus; HISTIOCYTOSIS AND LYMPHADENOPATHY WITH OR WITHOUT CUTANEOUS, CARDIAC, AND/OR ENDOCRINE FEATURES, JOINT CONTRACTURES, AND/OR DEAFNESS; HYPERPIGMENTATION, CUTANEOUS, WITH HYPERTRICHOSIS, HEPATOSPLENOMEGALY, HEART ANOMALIES, AND HYPOGONADISM WITH OR WITHOUT HEARING LOSS; PIGMENTED HYPERTRICHOSIS WITH INSULIN-DEPENDENT DIABETES MELLITUS; ROSAI-DORFMAN DISEASE, FAMILIAL. Identifiers: Orphanet 168569, MedGen C1864445, MONDO:0011273, OMIM 602782.

gnomAD v4.1: 1 of 1,614,162 alleles (0.000062%); highest among the groups gnomAD compares: Non-Finnish European, 0.000085%; no homozygotes.

Submission:

Labcorp Genetics (formerly Invitae), Labcorp
Classification: Uncertain significance for H syndrome. Last evaluated: 2023-11-03. Review status: criteria provided, single submitter. Criteria: Invitae Variant Classification Sherloc (09022015). Collection method: clinical testing. Allele origin: germline.
Comment: This sequence change replaces valine, which is neutral and non-polar, with methionine, which is neutral and non-polar, at codon 457 of the SLC29A3 protein (p.Val457Met). This variant is not present in population databases (gnomAD no frequency). This variant has not been reported in the literature in individuals affected with SLC29A3-related conditions. Advanced modeling of protein sequence and biophysical properties (such as structural, functional, and spatial information, amino acid conservation, physicochemical variation, residue mobility, and thermodynamic stability) performed at Invitae indicates that this missense variant is not expected to disrupt SLC29A3 protein function with a negative predictive value of 80%. In summary, the available evidence is currently insufficient to determine the role of this variant in disease. Therefore, it has been classified as a Variant of Uncertain Significance.